The following is an entry in ClinVar:

NM_002936.6(RNASEH1):c.600A>G (p.Gln200=)

Gene: RNASEH1 (ribonuclease H1; minus strand). Cytogenetic location: 2p25.3.
Variant type: single nucleotide variant.
Coding change: c.600A>G on transcript NM_002936.6 (MANE Select); coding-DNA position 600, A replaced by G.
Protein change: p.Gln200=; no amino-acid change (glutamine 200 retained).
Molecular consequence: synonymous variant. On other transcripts: non-coding transcript variant (7).
Genome position (GRCh38, 1-based): chr2:3,548,689, T>C on the plus strand (A>G on the coding strand, the complement: RNASEH1 is on the minus strand). VCF-style: chr2-3548689-T-C. GRCh37 (hg19) VCF-style: chr2-3596279-T-C.
Other names: c.522A>G, p.Gln174= (NM_001286834.3); c.249A>G, p.Gln83= (NM_001286837.3); c.600A>G, p.Gln200= (NM_001378271.1); c.597A>G, p.Gln199= (NM_001378272.1); c.585A>G, p.Gln195= (NM_001378273.1).
Identifiers: ClinVar variation 4992625 (VCV004992625.1).

ClinVar aggregate classification (germline): Likely benign (1 of 4 stars; one submission).

Conditions:
RNASEH1-related disorder. Also called: RNASEH1-related condition.

Submission:

PreventionGenetics, part of Exact Sciences
Classification: Likely benign for RNASEH1-related condition. Last evaluated: 2026-03-26. Review status: criteria provided, single submitter. Criteria: ACMG Guidelines, 2015. Collection method: clinical testing. Allele origin: germline.
Comment: This variant is classified as likely benign based on ACMG/AMP sequence variant interpretation guidelines (Richards et al. 2015 PMID: 25741868, with internal and published modifications).